The following is an entry in ClinVar:

ClinVar aggregate classification (germline): Conflicting classifications of pathogenicity. Review status: no assertion criteria provided (0 of 4 stars). 2 submissions from 2 submitters: Likely pathogenic (1); Uncertain significance (1). Last evaluated 2024-03-16.

Conditions:
Neurodevelopmental disorder. Identifiers: MedGen C1535926, MeSH D065886, MONDO:0700092.
PLXNA1-related disorder. Also called: PLXNA1-related condition.

Allele frequency attached by ClinVar (database versions not stated): ExAC 0.00001; gnomAD exomes 0.00001; gnomAD 0.00002; TOPMed 0.00002; ESP Exome Variant Server 0.00008.
gnomAD v4.1: 21 of 1,612,938 alleles (0.0013%); highest among the groups gnomAD compares: South Asian, 0.0055%; no homozygotes.

Submissions (2):

PreventionGenetics, part of Exact Sciences
Classification: Uncertain significance for PLXNA1-related condition. Last evaluated: 2024-03-16. Review status: no assertion criteria provided. Collection method: clinical testing. Allele origin: germline.
Comment: The PLXNA1 c.3554G>A variant is predicted to result in the amino acid substitution p.Arg1185Gln. This variant has been reported as a de novo variant in the heterozygous state in at least one individual with a developmental disorder (Table 1, Dworschak et al 2021. PubMed ID: 34054129; Table S1, McRae et al. 2017. PubMed ID: 28135719; Table S2, Turner et al. 2019. PubMed ID: 31785789). This variant is reported in 0.0065% of alleles in individuals of South Asian descent in gnomAD. This variant is classified as likely pathogenic in ClinVar. Although we suspect that this variant could be pathogenic, at this time, the clinical significance of this variant is uncertain due to the absence of conclusive functional and genetic evidence.

Lupski Lab, Baylor-Hopkins CMG, Baylor College of Medicine
Classification: Likely pathogenic for Neurodevelopmental disorder. Last evaluated: 2019-11-30. Review status: no assertion criteria provided. Collection method: research. Allele origin: de novo. Inheritance: Autosomal dominant inheritance. Affected: yes. Observed: 1 heterozygote.

NM_032242.4(PLXNA1):c.3554G>A (p.Arg1185Gln)

Gene: PLXNA1 (plexin A1; plus strand). Cytogenetic location: 3q21.3.
Variant type: single nucleotide variant.
Coding change: c.3554G>A on transcript NM_032242.4 (MANE Select); coding-DNA position 3554, G replaced by A.
Protein change: p.Arg1185Gln; replaces arginine 1185 with glutamine.
Molecular consequence: missense variant.
Genome position (GRCh38, 1-based): chr3:127,017,786, G>A. VCF-style: chr3-127017786-G-A. GRCh37 (hg19) VCF-style: chr3-126736629-G-A.
Other names: short protein forms R1185Q.
Identifiers: ClinVar variation 867244 (VCV000867244.2), dbSNP rs375833812, ClinGen allele CA2594070.